The following is an entry in ClinVar:

NM_001243133.2(NLRP3):c.743A>G (p.Gln248Arg)

Gene: NLRP3 (NLR family pyrin domain containing 3; plus strand). Cytogenetic location: 1q44.
Variant type: single nucleotide variant.
Coding change: c.743A>G on transcript NM_001243133.2 (MANE Select); coding-DNA position 743, A replaced by G.
Protein change: p.Gln248Arg; replaces glutamine 248 with arginine.
Molecular consequence: missense variant.
Genome position (GRCh38, 1-based): chr1:247,424,192, A>G. VCF-style: chr1-247424192-A-G. GRCh37 (hg19) VCF-style: chr1-247587494-A-G.
Other names: c.743A>G, p.Gln248Arg (NM_001079821.3, NM_001127461.3, NM_001127462.3 and 1 more transcripts); c.749A>G, p.Gln250Arg (NM_004895.5); short protein forms Q250R, Q248R.
Identifiers: ClinVar variation 234298 (VCV000234298.6), dbSNP rs876660971, ClinGen allele CA10577229.
Genomic context (GRCh38, chr1:247,424,192, plus strand): 5'-TTGGGAAAACAATCCTGGCCAGGAAGATGATGTTGGACTGGGCGTCGGGGACACTCTACC[A>G]AGACAGGTTTGACTATCTGTTCTATATCCACTGTCGAGAGGTGAGCCTTGTGACACAGAG-3'
Protein context (NP_001230062.1, residues 238-258): MLDWASGTLY[Gln248Arg]DRFDYLFYIH

ClinVar aggregate classification (germline): Uncertain significance. Review status: criteria provided, multiple submitters, no conflicts (2 of 4 stars). 4 submissions from 2 submitters: Uncertain significance (4). Last evaluated 2018-01-13.

Conditions:
Chronic infantile neurological, cutaneous and articular syndrome (CINCA). Also called: CHRONIC NEUROLOGIC CUTANEOUS AND ARTICULAR SYNDROME; CINCA syndrome; Prieur Griscelli syndrome; CRYOPYRIN-ASSOCIATED PERIODIC SYNDROME 3. Identifiers: Orphanet 1451, MedGen C0409818, MONDO:0011776, OMIM 607115.
Familial amyloid nephropathy with urticaria AND deafness (MWS). Also called: UDA SYNDROME; URTICARIA-DEAFNESS-AMYLOIDOSIS SYNDROME; MUCKLE-WELLS SYNDROME; Urticaria, deafness and amyloidosis; CRYOPYRIN-ASSOCIATED PERIODIC SYNDROME 2. Identifiers: Orphanet 575, MedGen C0268390, MONDO:0008633, OMIM 191900.
Familial cold autoinflammatory syndrome 1 (FCAS1). Also called: CRYOPYRIN-ASSOCIATED PERIODIC SYNDROME 1; Familial cold inflammatory syndrome 1. Identifiers: Orphanet 47045, MedGen C4551895, MONDO:0007349, OMIM 120100.

Submissions (4):

Illumina Laboratory Services, Illumina
Classification: Uncertain significance for Familial amyloid nephropathy with urticaria AND deafness. Last evaluated: 2018-01-13. Review status: criteria provided, single submitter. Criteria: ICSL Variant Classification Criteria 13 December 2019. Collection method: clinical testing. Allele origin: germline.

Illumina Laboratory Services, Illumina
Classification: Uncertain significance for Familial cold autoinflammatory syndrome 1. Last evaluated: 2018-01-13. Review status: criteria provided, single submitter. Criteria: ICSL Variant Classification Criteria 13 December 2019. Collection method: clinical testing. Allele origin: germline.

Illumina Laboratory Services, Illumina
Classification: Uncertain significance for Chronic infantile neurological, cutaneous and articular syndrome. Last evaluated: 2018-01-13. Review status: criteria provided, single submitter. Criteria: ICSL Variant Classification Criteria 13 December 2019. Collection method: clinical testing. Allele origin: germline.

GeneDx
Classification: Uncertain significance. Last evaluated: 2014-02-02. Review status: criteria provided, single submitter. Criteria: GeneDx Variant Classification (06012015). Collection method: clinical testing. Allele origin: germline. Affected: yes.
Comment: To our knowledge, the Q250R missense substitution has neither been published as a mutation, nor reported as a benign polymorphism. This substitution was not observed in approximately 6,500 individuals of European and African American ancestry in the NHLBI Exome Sequencing Project, indicating it is not a common benign variant in these populations. Q250R represents a semi-conservative amino acid substitution as a polar Glutamine residue is replaced with a positively-charged Arginine residue. However, the position in the NLRP3 protein where this substitution occurs is not highly conserved among species. Therefore, based on the currently available information, it is unclear whether Q250R is a disease-causing mutation or a rare benign variant.